The following is an entry in ClinVar:

ClinVar aggregate classification (germline): Pathogenic. Review status: criteria provided, multiple submitters, no conflicts (2 of 4 stars). 8 submissions from 8 submitters: Pathogenic (5). 3 of the submissions do not count toward it. Last evaluated 2025-05-14.

Conditions:
PRPH2-related disorder. Also called: PRPH2-related condition; PRPH2-related disorders. Identifiers: MedGen CN239395.
Retinal dystrophy. Also called: Inherited retinal dystrophy. Identifiers: Orphanet 71862, MedGen C0854723, MeSH D058499, MONDO:0019118, HP:0000556.
Stargardt disease (FFM). Also called: Fundus flavimaculatus; Stargardt's disease. Identifiers: Orphanet 827, MedGen C0271093, MONDO:0019353.
maculopathy.

Allele frequency attached by ClinVar (database versions not stated): gnomAD exomes below 0.00001; ExAC 0.00001.

Submissions (8):

Labcorp Genetics (formerly Invitae), Labcorp
Classification: Pathogenic for PRPH2-related disorder. Last evaluated: 2025-05-14. Review status: criteria provided, single submitter. Criteria: Invitae Variant Classification Sherloc (09022015). Collection method: clinical testing. Allele origin: germline.
Comment: This sequence change creates a premature translational stop signal (p.Gly148Alafs*5) in the PRPH2 gene. It is expected to result in an absent or disrupted protein product. Loss-of-function variants in PRPH2 are known to be pathogenic (PMID: 8111389, 8485575, 8485576, 8675410, 16916875, 17504850, 22863181, 25675413, 26061163, 27365499, 29555955, 33546218). This variant is present in population databases (rs61755784, gnomAD 0.01%). This premature translational stop signal has been observed in individuals with PRPH2-related conditions (PMID: 10627133, 17504850, 22334370, 29555955). This variant is also known as p.P147fs. ClinVar contains an entry for this variant (Variation ID: 98668). For these reasons, this variant has been classified as Pathogenic.

CeGaT Center for Human Genetics Tuebingen
Classification: Pathogenic. Last evaluated: 2024-08-01. Review status: criteria provided, single submitter. Criteria: CeGaT Center For Human Genetics Tuebingen Variant Classification Criteria Version 2. Collection method: clinical testing. Allele origin: germline. Affected: yes. Observed: 1 variant allele.
Comment: PRPH2: PVS1, PM2, PS4:Moderate

Blueprint Genetics
Classification: Pathogenic for PRPH2-related disorders. Last evaluated: 2022-02-15. Review status: criteria provided, single submitter. Criteria: ACMG Guidelines, 2015. Collection method: clinical testing. Allele origin: germline. Affected: yes. Observed: 5 variant alleles.

NEI Ophthalmic Genomics Laboratory, National Institutes of Health
Classification: Pathogenic for Stargardt disease. Last evaluated: 2020-01-07. Review status: criteria provided, single submitter. Criteria: ACMG Guidelines, 2015. Collection method: clinical testing. Allele origin: germline. Affected: yes.
Comment: The variant NM_000322.4:c.441delT in the PRPH2 gene has been previously studied(PMIDs 10627133, 22334370, 29555955). This variant is listed in dbSNP and/or HGMD (rs61755784,CD972425). It is present in gnomAD browser (AF 0.00000406). It is not enriched in the PRPH2 disease cohort. We invoked ACMG criteria [PVS1, PM2, PP1] and classified NM_000322.4:c.441delT in the PRPH2 gene as a Pathogenic mutation.

Institute of Human Genetics, Univ. Regensburg, Univ. Regensburg
Classification: Pathogenic for Retinal dystrophy. Last evaluated: 2013-01-01. Review status: criteria provided, single submitter. Criteria: ACMG Guidelines, 2015. Collection method: clinical testing. Allele origin: germline. Affected: yes.

Leiden Open Variation Database
Classification: Pathogenic. Last evaluated: 2021-04-06. Review status: no assertion criteria provided. Collection method: curation. Allele origin: germline. Affected: yes. Not counted in ClinVar's aggregate classification.
Comment: Curator: Global Variome, with Curator vacancy. Submitters to LOVD: Global Variome, with Curator vacancy, Kornelia Neveling, LOVD, Manon Peeters.

Sharon lab, Hadassah-Hebrew University Medical Center
Classification: Pathogenic for Maculopathy. Last evaluated: 2019-06-23. Review status: no assertion criteria provided. Collection method: research. Allele origin: inherited. Affected: yes. Not counted in ClinVar's aggregate classification.

Retina International
No classification provided. Review status: no classification provided. Collection method: not provided. Allele origin: not provided. Not counted in ClinVar's aggregate classification.

Literature cited by the submitters: PubMed 8111389 (cited by Labcorp Genetics (formerly Invitae), Labcorp); PubMed 8485575 (cited by Labcorp Genetics (formerly Invitae), Labcorp); PubMed 8485576 (cited by Labcorp Genetics (formerly Invitae), Labcorp); PubMed 8675410 (cited by Labcorp Genetics (formerly Invitae), Labcorp); PubMed 16916875 (cited by Labcorp Genetics (formerly Invitae), Labcorp); PubMed 17504850 (cited by Labcorp Genetics (formerly Invitae), Labcorp and Leiden Open Variation Database); PubMed 22863181 (cited by Labcorp Genetics (formerly Invitae), Labcorp); PubMed 25675413 (cited by Labcorp Genetics (formerly Invitae), Labcorp); PubMed 26061163 (cited by Labcorp Genetics (formerly Invitae), Labcorp); PubMed 27365499 (cited by Labcorp Genetics (formerly Invitae), Labcorp); PubMed 29555955 (cited by 3 submitters); PubMed 33546218 (cited by Labcorp Genetics (formerly Invitae), Labcorp); PubMed 10627133 (cited by 3 submitters); PubMed 22334370 (cited by 3 submitters); PubMed 32531846 (cited by Institute of Human Genetics, Univ. Regensburg, Univ. Regensburg and Leiden Open Variation Database); PubMed 32531858 (cited by Institute of Human Genetics, Univ. Regensburg, Univ. Regensburg); PubMed 34411390 (cited by Institute of Human Genetics, Univ. Regensburg, Univ. Regensburg); PubMed 17653047 (cited by Leiden Open Variation Database); PubMed 31456290 (cited by Leiden Open Variation Database).

NM_000322.5(PRPH2):c.441del (p.Gly148fs)

Gene: PRPH2 (peripherin 2; minus strand). Cytogenetic location: 6p21.1.
Variant type: Deletion.
Coding change: c.441del on transcript NM_000322.5 (MANE Select); coding-DNA position 441, one base deleted (T; older notation c.441delT).
Protein change: p.Gly148fs; shifts the reading frame from glycine 148.
Molecular consequence: frameshift variant.
Genome position (GRCh38, 1-based): chr6:42,721,894, A deleted on the plus strand (T on the coding strand, the reverse complement: PRPH2 is on the minus strand). VCF-style (leftmost placement, unchanged base first): chr6-42721893-CA-C. GRCh37 (hg19) VCF-style: chr6-42689631-CA-C.
Other names: c.441delT (NM_000322.5); c.441del (NM_000322.4); short protein forms G148fs.
Identifiers: ClinVar variation 98668 (VCV000098668.26), dbSNP rs61755784, ClinGen allele CA226235.